The following is an entry in ClinVar:

NM_198428.3(BBS9):c.936G>A (p.Leu312=)

Gene: BBS9 (Bardet-Biedl syndrome 9; plus strand). Cytogenetic location: 7p14.3.
Variant type: single nucleotide variant.
Coding change: c.936G>A on transcript NM_198428.3 (MANE Select); coding-DNA position 936, G replaced by A.
Protein change: p.Leu312=; no amino-acid change (leucine 312 retained).
Molecular consequence: synonymous variant. On other transcripts: non-coding transcript variant (3).
Genome position (GRCh38, 1-based): chr7:33,273,876, G>A. VCF-style: chr7-33273876-G-A. GRCh37 (hg19) VCF-style: chr7-33313488-G-A.
Other names: c.936G>A (NM_198428.2); c.936G>A, p.Leu312= (NM_001033604.2, NM_001033605.2, NM_001348036.1 and 7 more transcripts); c.570G>A, p.Leu190= (NM_001348037.3, NM_001348044.3, NM_001348045.3 and 1 more transcripts); c.663G>A, p.Leu221= (NM_001348038.3, NM_001348039.3); c.801G>A, p.Leu267= (NM_001348042.3).
Identifiers: ClinVar variation 2825572 (VCV002825572.4), dbSNP rs2535216160, ClinGen allele CA454458804.
Genomic context (GRCh38, chr7:33,273,876, plus strand): 5'-TCAACTTACAGTTTCTGAAGGAACAATAAATACTTTGATTGGAAATCATAATAACATGCT[G>A]CATATTTATCAAGATGTGACACTGAAGTGGGCCACCCAACTTCCCCACATTCCTGTAGCA-3'
Protein context (NP_940820.1, residues 302-322): NTLIGNHNNM[Leu312=]HIYQDVTLKW

ClinVar aggregate classification (germline): Likely benign. Review status: criteria provided, single submitter (1 of 4 stars). 2 submissions from 2 submitters: Likely benign (1). 1 of the submissions does not count toward it. Last evaluated 2023-05-19.

Conditions:
BBS9-related disorder. Also called: BBS9-related condition.
Bardet-Biedl syndrome (BBS). Identifiers: Orphanet 110, MedGen C0752166, MONDO:0015229.

Submissions (2):

Labcorp Genetics (formerly Invitae), Labcorp
Classification: Likely benign for Bardet-Biedl syndrome. Last evaluated: 2023-05-19. Review status: criteria provided, single submitter. Criteria: Invitae Variant Classification Sherloc (09022015). Collection method: clinical testing. Allele origin: germline.

PreventionGenetics, part of Exact Sciences
Classification: Likely benign for BBS9-related condition. Last evaluated: 2022-11-02. Review status: no assertion criteria provided. Collection method: clinical testing. Allele origin: germline. Not counted in ClinVar's aggregate classification.
Comment: This variant is classified as likely benign based on ACMG/AMP sequence variant interpretation guidelines (Richards et al. 2015 PMID: 25741868, with internal and published modifications).